The following is an entry in ClinVar:

ClinVar aggregate classification (germline): Pathogenic (1 of 4 stars; one submission).

Conditions:
Nemaline myopathy 10 (NEM10). Identifiers: MedGen C4015360, MONDO:0014513, OMIM 616165.

Submission:

Women's Health and Genetics/Laboratory Corporation of America, LabCorp
Classification: Pathogenic for Nemaline myopathy 10. Last evaluated: 2026-06-19. Review status: criteria provided, single submitter. Criteria: LabCorp Variant Classification Summary - May 2015. Collection method: clinical testing. Allele origin: germline.
Comment: Variant summary: The variant involves the partial deletion of exon 2 in the LMOD3 gene. A presumed nomenclature of c.419_(1656+1_1657-1)del has been designated for the purposes of this classification. This CNV spans a canonical splice-site involving the last intron and therefore, is predicted to escape nonsense mediated decay (NMD). Loss-of-function variants in this gene are known to be pathogenic. The variant was absent in 21694 control chromosomes in the gnomAD database (Structural Variants v2.1 dataset). To our knowledge, no occurrence of c.419_(1656+1_1657-1)del in individuals affected with LMOD3-related conditions and no experimental evidence demonstrating its impact on protein function have been reported. However, missense variants and truncations were classified as Pathogenic by our lab within the deleted region. No submitters have cited clinical-significance assessments for this variant to ClinVar. Based on the evidence outlined above, the variant was classified as pathogenic.

NC_000003.11:g.(69158273_69167849)_69169087del

Gene: LMOD3 (leiomodin 3; minus strand). Cytogenetic location: 3p14.1.
Variant type: Deletion.
Identifiers: ClinVar variation 4887804 (VCV004887804.1).